The following is an entry in ClinVar:

NC_000003.12:g.169764722C>G

Genes: TERC (telomerase RNA component; minus strand), LOC110806306 (telomerase RNA component (TERC) promoter; plus strand). Cytogenetic location: 3q26.2.
Variant type: single nucleotide variant.
Genome position: GRCh38 VCF-style: chr3-169764722-C-G. GRCh37 (hg19) VCF-style: chr3-169482510-C-G.
Identifiers: ClinVar variation 1054934 (VCV001054934.7), dbSNP rs772608895, ClinGen allele CA436715002.

ClinVar aggregate classification (germline): Uncertain significance (1 of 4 stars; one submission).

Conditions:
Dyskeratosis congenita, autosomal dominant 1 (DKCA1). Also called: Dyskeratosis congenita Scoggins type. Identifiers: Orphanet 1775, MedGen C4551974, MONDO:0007485, OMIM 127550. Inheritance: Variable.

Submission:

Labcorp Genetics (formerly Invitae), Labcorp
Classification: Uncertain significance for Dyskeratosis congenita, autosomal dominant 1. Last evaluated: 2023-04-17. Review status: criteria provided, single submitter. Criteria: Invitae Variant Classification Sherloc (09022015). Collection method: clinical testing. Allele origin: germline.
Comment: This variant is located within the BoxH/ACA scaRNA domain of the TERC RNA component, which is required for telomerase activity (PMID: 21844345). In summary, the available evidence is currently insufficient to determine the role of this variant in disease. Therefore, it has been classified as a Variant of Uncertain Significance. ClinVar contains an entry for this variant (Variation ID: 1054934). This variant occurs in the TERC gene, which encodes an RNA molecule that does not result in a protein product. This variant is not present in population databases (gnomAD no frequency). This variant has not been reported in the literature in individuals affected with TERC-related conditions.

Literature cited by the submitters: PubMed 21844345.